The following is an entry in ClinVar:

ClinVar aggregate classification (germline): Likely pathogenic (1 of 4 stars; one submission).

Conditions:
Rhizomelic chondrodysplasia punctata (RCDP). Identifiers: Orphanet 177, MedGen C0282529, MONDO:0015776. Disease mechanism: loss of function.

Submission:

Natera, Inc.
Classification: Likely pathogenic for Rhizomelic Chondrodysplasia Punctata. Last evaluated: 2024-05-03. Review status: criteria provided, single submitter. Criteria: Natera Variant Classification Schema (03/2026). Collection method: clinical testing. Allele origin: germline.
Comment: The c.19G>T variant in PEX7 is a nonsense variant predicted to introduce a stop codon at amino acid 7. This variant is expected to result in nonsense mediated decay, truncation, or a dysfunctional protein product. This variant is rare in the general population with a frequency below the threshold expected for the associated phenotype(s). Given the available evidence, this variant is classified as Likely Pathogenic.

NM_000288.4(PEX7):c.19G>T (p.Gly7Ter)

Gene: PEX7 (peroxisomal biogenesis factor 7; plus strand). Cytogenetic location: 6q23.3.
Variant type: single nucleotide variant.
Coding change: c.19G>T on transcript NM_000288.4 (MANE Select); coding-DNA position 19, G replaced by T.
Protein change: p.Gly7Ter; replaces glycine 7 with a stop codon.
Molecular consequence: nonsense.
Genome position (GRCh38, 1-based): chr6:136,822,684, G>T. VCF-style: chr6-136822684-G-T. GRCh37 (hg19) VCF-style: chr6-137143822-G-T.
Other names: short protein forms G7*.
Identifiers: ClinVar variation 4818123 (VCV004818123.1).